The following is an entry in ClinVar:

NM_000531.6(OTC):c.830G>A (p.Arg277Gln)

Gene: OTC (ornithine transcarbamylase; plus strand). Cytogenetic location: Xp11.4.
Variant type: single nucleotide variant.
Coding change: c.830G>A on transcript NM_000531.6 (MANE Select); coding-DNA position 830, G replaced by A.
Protein change: p.Arg277Gln; replaces arginine 277 with glutamine.
Molecular consequence: missense variant.
Genome position (GRCh38, 1-based): chrX:38,408,988, G>A. VCF-style: chrX-38408988-G-A. GRCh37 (hg19) VCF-style: chrX-38268241-G-A.
Other names: short protein forms R277Q.
Identifiers: ClinVar variation 97339 (VCV000097339.20), dbSNP rs66724222, ClinGen allele CA224808.

ClinVar aggregate classification (germline): Pathogenic. Review status: criteria provided, multiple submitters, no conflicts (2 of 4 stars). 5 submissions from 5 submitters: Pathogenic (4). 1 of the submissions does not count toward it. Last evaluated 2023-09-04.

Conditions:
Ornithine carbamoyltransferase deficiency (OTCD). Also called: Ornithine Carbamoyltransferase Deficiency Disease; ORNITHINE TRANSCARBAMYLASE DEFICIENCY; ORNITHINE TRANSCARBAMYLASE DEFICIENCY, HYPERAMMONEMIA DUE TO; OTC DEFICIENCY. Identifiers: Orphanet 664, MedGen C0268542, MONDO:0010703, OMIM 311250.

Submissions (5):

Labcorp Genetics (formerly Invitae), Labcorp
Classification: Pathogenic for Ornithine carbamoyltransferase deficiency. Last evaluated: 2023-09-04. Review status: criteria provided, single submitter. Criteria: Invitae Variant Classification Sherloc (09022015). Collection method: clinical testing. Allele origin: germline.
Comment: For these reasons, this variant has been classified as Pathogenic. This variant disrupts the p.Arg277 amino acid residue in OTC. Other variant(s) that disrupt this residue have been determined to be pathogenic (PMID: 2037279, 2347583, 7860066, 25026867, 30285816). This suggests that this residue is clinically significant, and that variants that disrupt this residue are likely to be disease-causing. Advanced modeling of protein sequence and biophysical properties (such as structural, functional, and spatial information, amino acid conservation, physicochemical variation, residue mobility, and thermodynamic stability) performed at Invitae indicates that this missense variant is expected to disrupt OTC protein function. ClinVar contains an entry for this variant (Variation ID: 97339). This missense change has been observed in individuals with OTC deficiency (PMID: 7951259, 17922216). This variant is not present in population databases (gnomAD no frequency). This sequence change replaces arginine, which is basic and polar, with glutamine, which is neutral and polar, at codon 277 of the OTC protein (p.Arg277Gln).

Women's Health and Genetics/Laboratory Corporation of America, LabCorp
Classification: Pathogenic for Ornithine carbamoyltransferase deficiency. Last evaluated: 2022-05-23. Review status: criteria provided, single submitter. Criteria: LabCorp Variant Classification Summary - May 2015. Collection method: clinical testing. Allele origin: germline.
Comment: Variant summary: OTC c.830G>A (p.Arg277Gln) results in a conservative amino acid change located in the Aspartate/ornithine carbamoyltransferase, Asp/Orn-binding domain of the encoded protein sequence. Four of five in-silico tools predict a damaging effect of the variant on protein function. The variant was absent in 183008 control chromosomes. c.830G>A has been reported in the literature in multiple individuals affected with Ornithine Transcarbamylase Deficiency (example Tuchman_1994b, Morizono_1997, Genet_2000, Mak_2007, Storkanova_2013). These data indicate that the variant is likely to be associated with disease. The variant has been reported to negatively impact the stability of the protein in vitro and to reduce its activity to 7% of the wild-type enzyme (Morizono_1997). Three clinical diagnostic laboratories have submitted clinical-significance assessments for this variant to ClinVar after 2014 without evidence for independent evaluation. All laboratories classified the variant as pathogenic. Based on the evidence outlined above, the variant was classified as pathogenic.

Genome-Nilou Lab
Classification: Pathogenic for Ornithine carbamoyltransferase deficiency. Last evaluated: 2021-11-07. Review status: criteria provided, single submitter. Criteria: ACMG Guidelines, 2015. Collection method: clinical testing. Allele origin: germline. Affected: no.

ARUP Laboratories, Molecular Genetics and Genomics, ARUP Laboratories
Classification: Pathogenic. Last evaluated: 2016-10-18. Review status: criteria provided, single submitter. Criteria: ARUP Molecular Germline Variant Investigation Process. Collection method: clinical testing. Allele origin: germline.

GenMed Metabolism Lab
Classification: Pathogenic. Review status: no assertion criteria provided. Collection method: not provided. Allele origin: unknown. Not counted in ClinVar's aggregate classification.
Comment: p.Arg277Gln, Late, CpG dinucleotide, increased Km for ornithine
ClinVar note: Converted during submission from pathogenic to Pathogenic.

Literature cited by the submitters: PubMed 2037279 (cited by Labcorp Genetics (formerly Invitae), Labcorp); PubMed 2347583 (cited by Labcorp Genetics (formerly Invitae), Labcorp); PubMed 7860066 (cited by Labcorp Genetics (formerly Invitae), Labcorp); PubMed 25026867 (cited by Labcorp Genetics (formerly Invitae), Labcorp); PubMed 30285816 (cited by Labcorp Genetics (formerly Invitae), Labcorp); PubMed 7951259 (cited by Labcorp Genetics (formerly Invitae), Labcorp and Women's Health and Genetics/Laboratory Corporation of America, LabCorp); PubMed 17922216 (cited by Labcorp Genetics (formerly Invitae), Labcorp and Women's Health and Genetics/Laboratory Corporation of America, LabCorp); PubMed 9175746 (cited by Women's Health and Genetics/Laboratory Corporation of America, LabCorp); PubMed 23278509 (cited by Women's Health and Genetics/Laboratory Corporation of America, LabCorp); PubMed 11117428 (cited by Women's Health and Genetics/Laboratory Corporation of America, LabCorp).